The following is an entry in ClinVar:

NM_003924.4(PHOX2B):c.547G>A (p.Glu183Lys)

Gene: PHOX2B (paired like homeobox 2B; minus strand). Cytogenetic location: 4p13.
Variant type: single nucleotide variant.
Coding change: c.547G>A on transcript NM_003924.4 (MANE Select); coding-DNA position 547, G replaced by A.
Protein change: p.Glu183Lys; replaces glutamic acid 183 with lysine.
Molecular consequence: missense variant.
Genome position (GRCh38, 1-based): chr4:41,746,205, C>T on the plus strand (G>A on the coding strand, the complement: PHOX2B is on the minus strand). VCF-style: chr4-41746205-C-T. GRCh37 (hg19) VCF-style: chr4-41748222-C-T.
Other names: short protein forms E183K.
Identifiers: ClinVar variation 1747790 (VCV001747790.8), dbSNP rs1733894573, ClinGen allele CA356738208.

ClinVar aggregate classification (germline): Uncertain significance. Review status: criteria provided, multiple submitters, no conflicts (2 of 4 stars). 2 submissions from 2 submitters: Uncertain significance (2). Last evaluated 2025-06-30.

Conditions:
Hereditary cancer-predisposing syndrome. Also called: Hereditary Cancer Syndrome; Hereditary neoplastic syndrome; Neoplastic Syndromes, Hereditary; Tumor predisposition. Identifiers: Orphanet 140162, MedGen C0027672, MeSH D009386, MONDO:0015356.
Haddad syndrome (OHD). Also called: Ondine-Hirschsprung disease. Identifiers: Orphanet 99803, MedGen C1859049, MONDO:0020493.

Allele frequency attached by ClinVar (database versions not stated): gnomAD exomes 0.00001.

Submissions (2):

Ambry Genetics
Classification: Uncertain significance for Hereditary cancer-predisposing syndrome. Last evaluated: 2025-06-30. Review status: criteria provided, single submitter. Criteria: Ambry Variant Classification Scheme 2023. Collection method: clinical testing. Allele origin: germline.
Comment: The p.E183K variant (also known as c.547G>A), located in coding exon 3 of the PHOX2B gene, results from a G to A substitution at nucleotide position 547. The glutamic acid at codon 183 is replaced by lysine, an amino acid with similar properties. This amino acid position is not well conserved in available vertebrate species. In addition, this alteration is predicted to be tolerated by in silico analysis. Based on the available evidence, the clinical significance of this variant remains unclear.

Labcorp Genetics (formerly Invitae), Labcorp
Classification: Uncertain significance for Haddad syndrome. Last evaluated: 2021-12-21. Review status: criteria provided, single submitter. Criteria: Invitae Variant Classification Sherloc (09022015). Collection method: clinical testing. Allele origin: germline.
Comment: This sequence change replaces glutamic acid, which is acidic and polar, with lysine, which is basic and polar, at codon 183 of the PHOX2B protein (p.Glu183Lys). This variant is not present in population databases (gnomAD no frequency). This variant has not been reported in the literature in individuals affected with PHOX2B-related conditions. Algorithms developed to predict the effect of missense changes on protein structure and function are either unavailable or do not agree on the potential impact of this missense change (SIFT: "Deleterious"; PolyPhen-2: "Not Available"; Align-GVGD: "Class C15"). In summary, the available evidence is currently insufficient to determine the role of this variant in disease. Therefore, it has been classified as a Variant of Uncertain Significance.